The following is an entry in ClinVar:

NM_004974.4(KCNA2):c.521T>G (p.Leu174Arg)

Gene: KCNA2 (potassium voltage-gated channel subfamily A member 2; minus strand). Cytogenetic location: 1p13.3.
Variant type: single nucleotide variant.
Coding change: c.521T>G on transcript NM_004974.4 (MANE Select); coding-DNA position 521, T replaced by G.
Protein change: p.Leu174Arg; replaces leucine 174 with arginine.
Molecular consequence: missense variant.
Genome position (GRCh38, 1-based): chr1:110,604,262, A>C on the plus strand (T>G on the coding strand, the complement: KCNA2 is on the minus strand). VCF-style: chr1-110604262-A-C. GRCh37 (hg19) VCF-style: chr1-111146884-A-C.
Other names: c.521T>G, p.Leu174Arg (NM_001204269.2); short protein forms L174R.
Identifiers: ClinVar variation 3893642 (VCV003893642.1).
Genomic context (GRCh38, chr1:110,604,262, plus strand): 5'-TCTTCATTCTCATCCCGGAAGATGGGCAATGTTTCCAGACAGAAGCTGACAATTGAGATC[A>C]GAATCACCATGACAGACACAATAGCTATAATCCTGGCAGGCCCTGAGCTCTCTGGGTATT-3'
Protein context (NP_004965.1, residues 164-184): IIAIVSVMVI[Leu174Arg]ISIVSFCLET

ClinVar aggregate classification (germline): Uncertain significance (1 of 4 stars; one submission).

Submission:

GeneDx
Classification: Uncertain significance. Last evaluated: 2024-10-26. Review status: criteria provided, single submitter. Criteria: GeneDx Variant Classification Process June 2021. Collection method: clinical testing. Allele origin: germline. Affected: yes.
Comment: Not observed at significant frequency in large population cohorts (gnomAD); In silico analysis supports that this missense variant has a deleterious effect on protein structure/function; Has not been previously published as pathogenic or benign to our knowledge